The following is an entry in ClinVar:

ClinVar aggregate classification (germline): Conflicting classifications of pathogenicity. Review status: criteria provided, conflicting classifications (1 of 4 stars). 5 submissions from 4 submitters: Uncertain significance (2); Likely benign (3). Last evaluated 2026-01-19.

Conditions:
Usher syndrome type 1D (USH1D). Also called: USHER SYNDROME, TYPE ID. Identifiers: Orphanet 231169, Orphanet 886, MedGen C1832845, MONDO:0010984, OMIM 601067.
Autosomal recessive nonsyndromic hearing loss 12. Also called: DEAFNESS, AUTOSOMAL RECESSIVE 12. Identifiers: Orphanet 90636, MedGen C1832394, MONDO:0011067, OMIM 601386.
CDH23-related disorder. Also called: CDH23-related disorders; CDH23-related condition.

Allele frequency attached by ClinVar (database versions not stated): ExAC 0.00004; TOPMed 0.00005; gnomAD 0.00006 and 0.00007; ESP Exome Variant Server 0.00008.
gnomAD v4.1: 67 of 1,613,902 alleles (0.0042%); highest among the groups gnomAD compares: Admixed American, 0.017%; no homozygotes.

Submissions (5):

Labcorp Genetics (formerly Invitae), Labcorp
Classification: Likely benign. Last evaluated: 2026-01-19. Review status: criteria provided, single submitter. Criteria: Invitae Variant Classification Sherloc (09022015). Collection method: clinical testing. Allele origin: germline.

PreventionGenetics, part of Exact Sciences
Classification: Likely benign for CDH23-related condition. Last evaluated: 2025-01-02. Review status: criteria provided, single submitter. Criteria: ACMG Guidelines, 2015. Collection method: clinical testing. Allele origin: germline.
Comment: This variant is classified as likely benign based on ACMG/AMP sequence variant interpretation guidelines (Richards et al. 2015 PMID: 25741868, with internal and published modifications).

Blueprint Genetics
Classification: Likely benign. Last evaluated: 2024-10-21. Review status: criteria provided, single submitter. Criteria: ACMG Guidelines, 2015. Collection method: clinical testing. Allele origin: germline.

Illumina Laboratory Services, Illumina
Classification: Uncertain significance for Usher syndrome type 1D. Last evaluated: 2018-01-12. Review status: criteria provided, single submitter. Criteria: ICSL Variant Classification Criteria 13 December 2019. Collection method: clinical testing. Allele origin: germline.

Illumina Laboratory Services, Illumina
Classification: Uncertain significance for Autosomal recessive nonsyndromic hearing loss 12. Last evaluated: 2018-01-12. Review status: criteria provided, single submitter. Criteria: ICSL Variant Classification Criteria 13 December 2019. Collection method: clinical testing. Allele origin: germline.

NM_022124.6(CDH23):c.324C>T (p.Ser108=)

Genes: CDH23-AS1 (CDH23 antisense RNA 1; minus strand), CDH23 (cadherin related 23; plus strand). Cytogenetic location: 10q22.1.
Variant type: single nucleotide variant.
Coding change: c.324C>T on transcript NM_022124.6 (MANE Select); coding-DNA position 324, C replaced by T.
Protein change: p.Ser108=; no amino-acid change (serine 108 retained).
Molecular consequence: synonymous variant.
Genome position (GRCh38, 1-based): chr10:71,510,989, C>T. VCF-style: chr10-71510989-C-T. GRCh37 (hg19) VCF-style: chr10-73270746-C-T.
Other names: c.324C>T, p.Ser108= (NM_001171930.2, NM_001171931.2, NM_001171932.2 and 1 more transcripts).
Identifiers: ClinVar variation 747502 (VCV000747502.16), dbSNP rs373668614, ClinGen allele CA5543375.